The following is an entry in ClinVar:

NM_016343.4(CENPF):c.7037A>C (p.Glu2346Ala)

Gene: CENPF (centromere protein F; plus strand). Cytogenetic location: 1q41.
Variant type: single nucleotide variant.
Coding change: c.7037A>C on transcript NM_016343.4 (MANE Select); coding-DNA position 7037, A replaced by C.
Protein change: p.Glu2346Ala; replaces glutamic acid 2346 with alanine.
Molecular consequence: missense variant.
Genome position (GRCh38, 1-based): chr1:214,646,607, A>C. VCF-style: chr1-214646607-A-C. GRCh37 (hg19) VCF-style: chr1-214819950-A-C.
Other names: short protein forms E2346A.
Identifiers: ClinVar variation 4076658 (VCV004076658.1).
Genomic context (GRCh38, chr1:214,646,607, plus strand): 5'-AAAGTGAGCATCATGCAGATTTACTTAAGGGTAGAGTGGAGAACCTTGAAAGAGAGCTAG[A>C]GATAGCCAGGACAAACCAAGAGCATGCAGCTCTTGAGGCAGAGAATTCCAAAGGAGAGGT-3'
Protein context (NP_057427.3, residues 2336-2356): GRVENLEREL[Glu2346Ala]IARTNQEHAA

ClinVar aggregate classification (germline): Uncertain significance (1 of 4 stars; one submission).

Submission:

GeneDx
Classification: Uncertain significance. Last evaluated: 2025-02-13. Review status: criteria provided, single submitter. Criteria: GeneDx Variant Classification Process June 2021. Collection method: clinical testing. Allele origin: germline. Affected: yes.
Comment: Not observed at significant frequency in large population cohorts (gnomAD); In silico analysis indicates that this missense variant does not alter protein structure/function; Has not been previously published as pathogenic or benign to our knowledge